The following is an entry in ClinVar:

NM_001165963.4(SCN1A):c.4449A>G (p.Ile1483Met)

Genes: SCN1A (sodium voltage-gated channel alpha subunit 1; minus strand), LOC102724058 (uncharacterized LOC102724058; plus strand). Cytogenetic location: 2q24.3.
Variant type: single nucleotide variant.
Coding change: c.4449A>G on transcript NM_001165963.4 (MANE Select); coding-DNA position 4449, A replaced by G.
Protein change: p.Ile1483Met; replaces isoleucine 1483 with methionine.
Molecular consequence: missense variant. On other transcripts: non-coding transcript variant (1).
Genome position (GRCh38, 1-based): chr2:165,998,065, T>C on the plus strand (A>G on the coding strand, the complement: SCN1A is on the minus strand). VCF-style: chr2-165998065-T-C. GRCh37 (hg19) VCF-style: chr2-166854575-T-C.
Other names: c.4365A>G, p.Ile1455Met (NM_001165964.3, NM_001353957.2, NM_001353958.2); c.4449A>G, p.Ile1483Met (NM_001202435.3, NM_001353948.2); c.4416A>G, p.Ile1472Met (NM_001353949.2, NM_001353950.2, NM_001353951.2 and 2 more transcripts); c.4413A>G, p.Ile1471Met (NM_001353954.2, NM_001353955.2); c.4362A>G, p.Ile1454Met (NM_001353960.2); c.2007A>G, p.Ile669Met (NM_001353961.2); short protein forms I1454M, I1483M, I1471M, I1472M, I1455M, I669M.
Identifiers: ClinVar variation 2203179 (VCV002203179.4), dbSNP rs2468393717, ClinGen allele CA349049200.
Genomic context (GRCh38, chr2:165,998,065, plus strand): 5'-CTCAGTGGGAGAGAAAATATTAGAAATACTTATCTTCTTTTTCTGCTGGTTGAAATTATC[T>C]ATGATGACACCAATAAACAGGTTCAAGGTGAAGAAGGACCCAAAGATGATGAAAATAACA-3'
Protein context (NP_001159435.1, residues 1473-1493): FTLNLFIGVI[Ile1483Met]DNFNQQKKKF

ClinVar aggregate classification (germline): Pathogenic (1 of 4 stars; one submission).

Conditions:
Early-infantile DEE. Also called: Early infantile epileptic encephalopathy with suppression bursts; Early infantile epileptic encephalopathy; Ohtahara syndrome. Identifiers: Orphanet 1934, MedGen C0393706, MONDO:0800491.

Submission:

Labcorp Genetics (formerly Invitae), Labcorp
Classification: Pathogenic for Early-infantile DEE. Last evaluated: 2025-08-21. Review status: criteria provided, single submitter. Criteria: Invitae Variant Classification Sherloc (09022015). Collection method: clinical testing. Allele origin: germline.
Comment: This sequence change replaces isoleucine, which is neutral and non-polar, with methionine, which is neutral and non-polar, at codon 1483 of the SCN1A protein (p.Ile1483Met). This variant is not present in population databases (gnomAD no frequency). This missense change has been observed in individual(s) with clinical features of developmental and epileptic encephalopathy (PMID: 35696452; internal data). In at least one individual the variant was observed to be de novo. ClinVar contains an entry for this variant (Variation ID: 2203179). Invitae Evidence Modeling of protein sequence and biophysical properties (such as structural, functional, and spatial information, amino acid conservation, physicochemical variation, residue mobility, and thermodynamic stability) indicates that this missense variant is expected to disrupt SCN1A protein function with a positive predictive value of 95%. This variant disrupts the p.Ile1483 amino acid residue in SCN1A. Other variant(s) that disrupt this residue have been observed in individuals with SCN1A-related conditions (PMID: 31175295; internal data), which suggests that this may be a clinically significant amino acid residue. For these reasons, this variant has been classified as Pathogenic.

Literature cited by the submitters: PubMed 35696452; PubMed 31175295.